The following is an entry in ClinVar:

NM_001170629.2(CHD8):c.6054T>C (p.Ser2018=)

Gene: CHD8 (chromodomain helicase DNA binding protein 8; minus strand). Cytogenetic location: 14q11.2.
Variant type: single nucleotide variant.
Coding change: c.6054T>C on transcript NM_001170629.2 (MANE Select); coding-DNA position 6054, T replaced by C.
Protein change: p.Ser2018=; no amino-acid change (serine 2018 retained).
Molecular consequence: synonymous variant.
Genome position (GRCh38, 1-based): chr14:21,393,741, A>G on the plus strand (T>C on the coding strand, the complement: CHD8 is on the minus strand). VCF-style: chr14-21393741-A-G. GRCh37 (hg19) VCF-style: chr14-21861900-A-G.
Other names: c.5217T>C, p.Ser1739= (NM_020920.4).
Identifiers: ClinVar variation 589557 (VCV000589557.41), dbSNP rs61752836, ClinGen allele CA7090846.

ClinVar aggregate classification (germline): Benign/Likely benign. Review status: criteria provided, multiple submitters, no conflicts (2 of 4 stars). 5 submissions from 5 submitters: Benign (2); Likely benign (3). Last evaluated 2026-07-01.

Conditions:
Inborn genetic diseases. Identifiers: MedGen C0950123, MeSH D030342.

Allele frequency attached by ClinVar (database versions not stated): ESP Exome Variant Server 0.00024; ExAC 0.00028; gnomAD exomes 0.00030; TOPMed 0.00032; gnomAD 0.00035 and 0.00037.
gnomAD v4.1: 590 of 1,613,702 alleles (0.037%); highest among the groups gnomAD compares: Middle Eastern, 0.066%; 2 homozygotes.

Submissions (5):

CeGaT Center for Human Genetics Tuebingen
Classification: Benign. Last evaluated: 2026-07-01. Review status: criteria provided, single submitter. Criteria: CeGaT Center For Human Genetics Tuebingen Variant Classification Criteria Version 2. Collection method: clinical testing. Allele origin: germline. Affected: yes. Observed: 5 variant alleles.
Comment: CHD8: BP4, BS1, BS2

Labcorp Genetics (formerly Invitae), Labcorp
Classification: Benign. Last evaluated: 2026-01-09. Review status: criteria provided, single submitter. Criteria: Invitae Variant Classification Sherloc (09022015). Collection method: clinical testing. Allele origin: germline.

Blueprint Genetics
Classification: Likely benign. Last evaluated: 2024-11-13. Review status: criteria provided, single submitter. Criteria: ACMG Guidelines, 2015. Collection method: clinical testing. Allele origin: germline.

GeneDx
Classification: Likely benign. Last evaluated: 2020-02-10. Review status: criteria provided, single submitter. Criteria: GeneDx Variant Classification Process June 2021. Collection method: clinical testing. Allele origin: germline. Affected: yes.

Ambry Genetics
Classification: Likely benign for Inborn genetic diseases. Last evaluated: 2017-03-09. Review status: criteria provided, single submitter. Criteria: Ambry Variant Classification Scheme 2023. Collection method: clinical testing. Allele origin: germline.